The following is an entry in ClinVar:

NM_004380.3(CREBBP):c.1520A>G (p.Gln507Arg)

Gene: CREBBP (CREB binding lysine acetyltransferase; minus strand). Cytogenetic location: 16p13.3.
Variant type: single nucleotide variant.
Coding change: c.1520A>G on transcript NM_004380.3 (MANE Select); coding-DNA position 1520, A replaced by G.
Protein change: p.Gln507Arg; replaces glutamine 507 with arginine.
Molecular consequence: missense variant.
Genome position (GRCh38, 1-based): chr16:3,782,737, T>C on the plus strand (A>G on the coding strand, the complement: CREBBP is on the minus strand). VCF-style: chr16-3782737-T-C. GRCh37 (hg19) VCF-style: chr16-3832738-T-C.
Other names: c.1406A>G, p.Gln469Arg (NM_001079846.1); c.1520A>G (NM_004380.2); short protein forms Q507R, Q469R.
Identifiers: ClinVar variation 596156 (VCV000596156.13), dbSNP rs766320521, ClinGen allele CA7870442.
Genomic context (GRCh38, chr16:3,782,737, plus strand): 5'-CACCTACCCAGGGGGTTGAGAGTCCTCATCTGCTGGTGGGTTTGAGGCTGTGCTGGTTGC[T>C]GGCCAGGAACCTGAGGCTGCAGCTGCGTCTGGGGCTGGTTCATGTAGGGGAGTCCGAGAG-3'
Protein context (NP_004371.2, residues 497-517): QTQLQPQVPG[Gln507Arg]QPAQPQTHQQ

ClinVar aggregate classification (germline): Conflicting classifications of pathogenicity. Review status: criteria provided, conflicting classifications (1 of 4 stars). 5 submissions from 5 submitters: Uncertain significance (2); Likely benign (2). 1 of the submissions does not count toward it. Last evaluated 2025-01-27.

Conditions:
Rubinstein-Taybi syndrome (RSTS). Identifiers: Orphanet 783, MedGen C0035934, MONDO:0019188.
Menke-Hennekam syndrome 1 (MKHK1). Identifiers: MedGen C5193034, MONDO:0020763, OMIM 618332.
Rubinstein-Taybi syndrome due to CREBBP mutations (RSTS1). Also called: Rubinstein-Taybi syndrome 1; BROAD THUMBS AND GREAT TOES, CHARACTERISTIC FACIES, AND IMPAIRED INTELLECTUAL DEVELOPMENT; CREBBP-Related Rubinstein-Taybi Syndrome; BROAD THUMB-HALLUX SYNDROME; RUBINSTEIN-TAYBI SYNDROME 1, INCOMPLETE; RUBINSTEIN SYNDROME. Identifiers: Orphanet 353277, Orphanet 783, MedGen C4551859, MONDO:0008393, OMIM 180849.
CREBBP-related disorder. Also called: CREBBP-related disorders; CREBBP-related condition.

Allele frequency attached by ClinVar (database versions not stated): gnomAD exomes 0.00001 and 0.00002; TOPMed 0.00001; ExAC 0.00001; gnomAD 0.00001.
gnomAD v4.1: 6 of 1,614,072 alleles (0.00037%); highest among the groups gnomAD compares: East Asian, 0.011%; no homozygotes.

Submissions (5):

Labcorp Genetics (formerly Invitae), Labcorp
Classification: Likely benign for Rubinstein-Taybi syndrome. Last evaluated: 2025-01-27. Review status: criteria provided, single submitter. Criteria: Invitae Variant Classification Sherloc (09022015). Collection method: clinical testing. Allele origin: germline.

Blueprint Genetics
Classification: Likely benign. Last evaluated: 2023-06-08. Review status: criteria provided, single submitter. Criteria: ACMG Guidelines, 2015. Collection method: clinical testing. Allele origin: germline.

Fulgent Genetics
Classification: Uncertain significance for Rubinstein-Taybi syndrome due to CREBBP mutations; Menke-Hennekam syndrome 1. Last evaluated: 2021-07-13. Review status: criteria provided, single submitter. Criteria: ACMG Guidelines, 2015. Collection method: clinical testing. Allele origin: unknown.

Eurofins Ntd Llc (ga)
Classification: Uncertain significance. Last evaluated: 2018-03-01. Review status: criteria provided, single submitter. Criteria: EGL ClinVar v180209 classification definitions. Collection method: clinical testing. Allele origin: germline. Observed: 1 variant allele, 1 heterozygote.

PreventionGenetics, part of Exact Sciences
Classification: Likely benign for CREBBP-related condition. Last evaluated: 2023-06-20. Review status: no assertion criteria provided. Collection method: clinical testing. Allele origin: germline. Not counted in ClinVar's aggregate classification.
Comment: This variant is classified as likely benign based on ACMG/AMP sequence variant interpretation guidelines (Richards et al. 2015 PMID: 25741868, with internal and published modifications).